The following is an entry in ClinVar:

NM_003850.3(SUCLA2):c.518T>C (p.Met173Thr)

Gene: SUCLA2 (succinate-CoA ligase ADP-forming subunit beta; minus strand). Cytogenetic location: 13q14.2.
Variant type: single nucleotide variant.
Coding change: c.518T>C on transcript NM_003850.3 (MANE Select); coding-DNA position 518, T replaced by C.
Protein change: p.Met173Thr; replaces methionine 173 with threonine.
Molecular consequence: missense variant.
Genome position (GRCh38, 1-based): chr13:47,988,557, A>G on the plus strand (T>C on the coding strand, the complement: SUCLA2 is on the minus strand). VCF-style: chr13-47988557-A-G. GRCh37 (hg19) VCF-style: chr13-48562692-A-G.
Other names: short protein forms M173T.
Identifiers: ClinVar variation 4999907 (VCV004999907.1).

ClinVar aggregate classification (germline): Uncertain significance (1 of 4 stars; one submission).

Conditions:
SUCLA2-related disorder. Also called: SUCLA2-related condition.

Submission:

PreventionGenetics, part of Exact Sciences
Classification: Uncertain significance for SUCLA2-related condition. Last evaluated: 2025-12-03. Review status: criteria provided, single submitter. Criteria: ACMG Guidelines, 2015. Collection method: clinical testing. Allele origin: germline.
Comment: The SUCLA2 c.518T>C variant is predicted to result in the amino acid substitution p.Met173Thr. To our knowledge, this variant has not been reported in the literature or in a large population database (gnomAD), indicating this variant is rare. At this time, the clinical significance of this variant is uncertain due to the absence of conclusive functional and genetic evidence.